The following is an entry in ClinVar:

NM_015681.6(B9D1):c.338G>C (p.Gly113Ala)

Gene: B9D1 (B9 domain containing 1; minus strand). Cytogenetic location: 17p11.2.
Variant type: single nucleotide variant.
Coding change: c.338G>C on transcript NM_015681.6 (MANE Select); coding-DNA position 338, G replaced by C.
Protein change: p.Gly113Ala; replaces glycine 113 with alanine.
Molecular consequence: missense variant. On other transcripts: 5 prime UTR variant (1).
Genome position (GRCh38, 1-based): chr17:19,347,787, C>G on the plus strand (G>C on the coding strand, the complement: B9D1 is on the minus strand). VCF-style: chr17-19347787-C-G. GRCh37 (hg19) VCF-style: chr17-19251100-C-G.
Other names: NM_015681.5:c.338G>C; c.338G>C, p.Gly113Ala (NM_001321214.2, NM_001321215.3, NM_001321216.2 and 4 more transcripts); c.-23G>C (NM_001368769.2); short protein forms G113A.
Identifiers: ClinVar variation 1679841 (VCV001679841.1), dbSNP rs2152261827, ClinGen allele CA398695989.

ClinVar aggregate classification (germline): Uncertain significance (1 of 4 stars; one submission).

Conditions:
Joubert syndrome 27 (JBTS27). Identifiers: MedGen C4310706, MONDO:0014927, OMIM 617120.

Submission:

Broad Center for Mendelian Genomics, Broad Institute of MIT and Harvard
Classification: Uncertain significance for Joubert syndrome 27. Last evaluated: 2022-05-04. Review status: criteria provided, single submitter. Criteria: ACMG Guidelines, 2015. Collection method: curation. Allele origin: germline. Inheritance: Autosomal recessive inheritance.
Comment: The variant has not been previously reported in individuals with Joubert syndrome 27 and was absent from large population studies. Computational prediction tools, including splice predictors, and conservation analyses suggest that this variant may not impact the protein, though this information is not predictive enough to rule out pathogenicity. In summary, the clinical significance of the p.Gly113Ala variant is uncertain. ACMG/AMP Criteria applied: PM2, PM3_supporting, BP4 (Richards 2015).